The following is an entry in ClinVar:

NM_178170.3(NEK8):c.241G>A (p.Glu81Lys)

Gene: NEK8 (NIMA related kinase 8; plus strand). Cytogenetic location: 17q11.2.
Variant type: single nucleotide variant.
Coding change: c.241G>A on transcript NM_178170.3 (MANE Select); coding-DNA position 241, G replaced by A.
Protein change: p.Glu81Lys; replaces glutamic acid 81 with lysine.
Molecular consequence: missense variant.
Genome position (GRCh38, 1-based): chr17:28,734,176, G>A. VCF-style: chr17-28734176-G-A. GRCh37 (hg19) VCF-style: chr17-27061194-G-A.
Other names: short protein forms E81K.
Identifiers: ClinVar variation 3404243 (VCV003404243.3).

ClinVar aggregate classification (germline): Uncertain significance. Review status: criteria provided, multiple submitters, no conflicts (2 of 4 stars). 3 submissions from 3 submitters: Uncertain significance (3). Last evaluated 2025-02-07.

Conditions:
Nephronophthisis 9 (NPHP9). Identifiers: Orphanet 655, MedGen C3151188, MONDO:0013444, OMIM 613824.
Renal-hepatic-pancreatic dysplasia 2 (RHPD2). Identifiers: MedGen C3809434, MONDO:0014174, OMIM 615415.
Polycystic kidney disease 8. Identifiers: MedGen C5935640, MONDO:0971178, OMIM 620903.
Inborn genetic diseases. Identifiers: MedGen C0950123, MeSH D030342.

Submissions (3):

Labcorp Genetics (formerly Invitae), Labcorp
Classification: Uncertain significance for Nephronophthisis 9. Last evaluated: 2025-02-07. Review status: criteria provided, single submitter. Criteria: Invitae Variant Classification Sherloc (09022015). Collection method: clinical testing. Allele origin: germline.
Comment: This sequence change replaces glutamic acid, which is acidic and polar, with lysine, which is basic and polar, at codon 81 of the NEK8 protein (p.Glu81Lys). This variant is not present in population databases (gnomAD no frequency). This variant has not been reported in the literature in individuals affected with NEK8-related conditions. ClinVar contains an entry for this variant (Variation ID: 3404243). An algorithm developed to predict the effect of missense changes on protein structure and function (PolyPhen-2) suggests that this variant is likely to be disruptive. In summary, the available evidence is currently insufficient to determine the role of this variant in disease. Therefore, it has been classified as a Variant of Uncertain Significance.

Ambry Genetics
Classification: Uncertain significance for Inborn genetic diseases. Last evaluated: 2024-09-26. Review status: criteria provided, single submitter. Criteria: Ambry Variant Classification Scheme 2023. Collection method: clinical testing. Allele origin: germline.

Fulgent Genetics
Classification: Uncertain significance for Nephronophthisis 9; Renal-hepatic-pancreatic dysplasia 2; Polycystic kidney disease 8. Last evaluated: 2024-02-27. Review status: criteria provided, single submitter. Criteria: ACMG Guidelines, 2015. Collection method: clinical testing. Allele origin: germline.